The following is an entry in ClinVar:

ClinVar aggregate classification (germline): Uncertain significance. Review status: criteria provided, single submitter (1 of 4 stars). 2 submissions from 2 submitters: Uncertain significance (1). 1 of the submissions does not count toward it. Last evaluated 2019-05-03.

Conditions:
Alstrom syndrome (ALMS). Identifiers: Orphanet 64, MedGen C0268425, MONDO:0008763, OMIM 203800.

Submissions (2):

Labcorp Genetics (formerly Invitae), Labcorp
Classification: Uncertain significance for Alstrom syndrome. Last evaluated: 2019-05-03. Review status: criteria provided, single submitter. Criteria: Invitae Variant Classification Sherloc (09022015). Collection method: clinical testing. Allele origin: germline.
Comment: This sequence change deletes 9 nucleotides from exon 8 of the ALMS1 mRNA (c.5907_5915del). This leads to the deletion of 3 amino acid residues in the ALMS1 protein (p.Pro1970_Ser1972del) but otherwise preserves the integrity of the reading frame. This variant is not present in population databases (ExAC no frequency) and has not been reported in the literature in individuals with a ALMS1-related disease. Experimental studies and prediction algorithms are not available for this variant, and the functional significance of the deleted amino acids is currently unknown. In summary, this variant is a novel in-frame deletion with uncertain impact on protein function. It has been classified as a Variant of Uncertain Significance.

Counsyl
Classification: Uncertain significance for Alstrom syndrome. Last evaluated: 2018-04-06. Review status: no assertion criteria provided. Collection method: clinical testing. Allele origin: unknown. Not counted in ClinVar's aggregate classification.

NM_001378454.1(ALMS1):c.5904_5912del (p.Pro1969_Ser1971del)

Gene: ALMS1 (ALMS1 centrosome and basal body associated protein; plus strand). Cytogenetic location: 2p13.1.
Variant type: Deletion.
Coding change: c.5904_5912del on transcript NM_001378454.1 (MANE Select); coding-DNA positions 5904 to 5912, 9 bases deleted (ACCTGTTTC; older notation c.5904_5912delACCTGTTTC).
Protein change: p.Pro1969_Ser1971del.
Molecular consequence: inframe deletion.
Genome position (GRCh38, 1-based): chr2:73,452,431-73,452,439, ACCTGTTTC deleted; deleting any 9 consecutive bases within chr2:73,452,426-73,452,439 gives the same sequence; the c. name uses the placement nearest the transcript's 3' end. VCF-style (leftmost placement, unchanged base first): chr2-73452425-AGTTTCACCT-A. GRCh37 (hg19) VCF-style: chr2-73679552-AGTTTCACCT-A.
Other names: c.5907_5915del9 (NM_015120.4); c.5907_5915del, p.Pro1970_Ser1972del (NM_015120.4).
Identifiers: ClinVar variation 403952 (VCV000403952.6), dbSNP rs1060500042, ClinGen allele CA16611215.
Genomic context (GRCh38, chr2:73,452,425, plus strand): 5'-GCCCAGTGTTATCTCTCAACAGGAGTTGCCAGACAGTCATCTCACAGAAGAGGCTCTGAA[AGTTTCACCT>A]GTTTCTATACCAGCAGAGCAGAAGACTGGGATACCAATAGGACTGTCTAGTTCCTACTCA-3'